The following is an entry in ClinVar:

ClinVar aggregate classification (germline): Uncertain significance (1 of 4 stars; one submission).

Conditions:
Cardiovascular phenotype. Identifiers: MedGen CN230736.

Submission:

Ambry Genetics
Classification: Uncertain significance for Cardiovascular phenotype. Last evaluated: 2026-07-09. Review status: criteria provided, single submitter. Criteria: Ambry Variant Classification Scheme 2023. Collection method: clinical testing. Allele origin: germline.
Comment: The p.S484N variant (also known as c.1451G>A), located in coding exon 10 of the SOS1 gene, results from a G to A substitution at nucleotide position 1451. The serine at codon 484 is replaced by asparagine, an amino acid with highly similar properties. This amino acid position is conserved. In addition, this alteration is predicted to be tolerated by in silico analysis. Based on the available evidence, the clinical significance of this variant remains unclear.

NM_005633.4(SOS1):c.1451G>A (p.Ser484Asn)

Gene: SOS1 (SOS Ras/Rac guanine nucleotide exchange factor 1; minus strand). Cytogenetic location: 2p22.1.
Variant type: single nucleotide variant.
Coding change: c.1451G>A on transcript NM_005633.4 (MANE Select); coding-DNA position 1451, G replaced by A.
Protein change: p.Ser484Asn; replaces serine 484 with asparagine.
Molecular consequence: missense variant.
Genome position (GRCh38, 1-based): chr2:39,022,977, C>T on the plus strand (G>A on the coding strand, the complement: SOS1 is on the minus strand). VCF-style: chr2-39022977-C-T. GRCh37 (hg19) VCF-style: chr2-39250118-C-T.
Other names: c.1430G>A, p.Ser477Asn (NM_001382394.1); c.1451G>A, p.Ser484Asn (NM_001382395.1); short protein forms S484N, S477N.
Identifiers: ClinVar variation 5030010 (VCV005030010.1).